The following is an entry in ClinVar:

ClinVar aggregate classification (germline): Uncertain significance (1 of 4 stars; one submission).

Allele frequency attached by ClinVar (database versions not stated): gnomAD exomes below 0.00001; ExAC 0.00001; ESP Exome Variant Server 0.00008.
gnomAD v4.1: 2 of 1,610,760 alleles (0.00012%); highest among the groups gnomAD compares: African/African-American, 0.0013%; no homozygotes.

Submission:

Ambry Genetics
Classification: Uncertain significance. Last evaluated: 2025-07-31. Review status: criteria provided, single submitter. Criteria: Ambry Variant Classification Scheme 2023. Collection method: clinical testing. Allele origin: germline.
Comment: The p.P43L variant (also known as c.128C>T), located in coding exon 2 of the KIF1B gene, results from a C to T substitution at nucleotide position 128. The proline at codon 43 is replaced by leucine, an amino acid with similar properties. This amino acid position is conserved. In addition, the in silico prediction for this alteration is inconclusive. Since supporting evidence is limited at this time, the clinical significance of this alteration remains unclear.

NM_001365951.3(KIF1B):c.128C>T (p.Pro43Leu)

Gene: KIF1B (kinesin family member 1B; plus strand). Cytogenetic location: 1p36.22.
Variant type: single nucleotide variant.
Coding change: c.128C>T on transcript NM_001365951.3 (MANE Select); coding-DNA position 128, C replaced by T.
Protein change: p.Pro43Leu; replaces proline 43 with leucine.
Molecular consequence: missense variant.
Genome position (GRCh38, 1-based): chr1:10,256,268, C>T. VCF-style: chr1-10256268-C-T. GRCh37 (hg19) VCF-style: chr1-10316326-C-T.
Other names: c.128C>T, p.Pro43Leu (NM_001365952.1, NM_001365953.1, NM_015074.3 and 1 more transcripts); short protein forms P43L.
Identifiers: ClinVar variation 1769060 (VCV001769060.3), dbSNP rs143000567, ClinGen allele CA580619.
Genomic context (GRCh38, chr1:10,256,268, plus strand): 5'-ATTGAGTGACTTATAAAATGAAACATTTTTATCTTCTAGGTATTATTAACCCAAAGAATC[C>T]AAAGGAAGCTCCAAAGTCCTTCAGCTTCGACTATTCCTACTGGTCTCATACCTCAGTGAG-3'
Protein context (NP_001352880.1, residues 33-53): NSTSIINPKN[Pro43Leu]KEAPKSFSFD